The following is an entry in ClinVar:

NM_006361.6(HOXB13):c.126G>C (p.Leu42=)

Gene: HOXB13 (homeobox B13; minus strand). Cytogenetic location: 17q21.32.
Variant type: single nucleotide variant.
Coding change: c.126G>C on transcript NM_006361.6 (MANE Select); coding-DNA position 126, G replaced by C.
Protein change: p.Leu42=; no amino-acid change (leucine 42 retained).
Molecular consequence: synonymous variant.
Genome position (GRCh38, 1-based): chr17:48,728,468, C>G on the plus strand (G>C on the coding strand, the complement: HOXB13 is on the minus strand). VCF-style: chr17-48728468-C-G. GRCh37 (hg19) VCF-style: chr17-46805830-C-G.
Identifiers: ClinVar variation 1765104 (VCV001765104.3), dbSNP rs2143074889, ClinGen allele CA500502807.

ClinVar aggregate classification (germline): Benign/Likely benign. Review status: criteria provided, multiple submitters, no conflicts (2 of 4 stars). 2 submissions from 2 submitters: Benign (1); Likely benign (1). Last evaluated 2024-10-29.

Conditions:
Hereditary cancer-predisposing syndrome. Also called: Neoplastic Syndromes, Hereditary; Tumor predisposition; Hereditary Cancer Syndrome; Hereditary neoplastic syndrome. Identifiers: Orphanet 140162, MedGen C0027672, MeSH D009386, MONDO:0015356.
Prostate cancer, hereditary, 9 (HPC9). Identifiers: Orphanet 1331, MedGen C1970250, MONDO:0012597, OMIM 610997.

Submissions (2):

Myriad Genetics, Inc.
Classification: Benign for Prostate cancer, hereditary, 9. Last evaluated: 2024-10-29. Review status: criteria provided, single submitter. Criteria: Myriad Autosomal Dominant, Autosomal Recessive and X-Linked Classification Criteria (2023). Collection method: clinical testing. Allele origin: unknown.
Comment: This variant is considered benign. This variant is a silent/synonymous amino acid change and it is not expected to impact splicing.

Ambry Genetics
Classification: Likely benign for Hereditary cancer-predisposing syndrome. Last evaluated: 2022-09-03. Review status: criteria provided, single submitter. Criteria: Ambry Variant Classification Scheme 2023. Collection method: clinical testing. Allele origin: germline.